The following is an entry in ClinVar:

NM_017617.5(NOTCH1):c.7621A>C (p.Thr2541Pro)

Gene: NOTCH1 (notch receptor 1; minus strand). Cytogenetic location: 9q34.3.
Variant type: single nucleotide variant.
Coding change: c.7621A>C on transcript NM_017617.5 (MANE Select); coding-DNA position 7621, A replaced by C.
Protein change: p.Thr2541Pro; replaces threonine 2541 with proline.
Molecular consequence: missense variant.
Genome position (GRCh38, 1-based): chr9:136,496,118, T>G on the plus strand (A>C on the coding strand, the complement: NOTCH1 is on the minus strand). VCF-style: chr9-136496118-T-G. GRCh37 (hg19) VCF-style: chr9-139390570-T-G.
Other names: short protein forms T2541P.
Identifiers: ClinVar variation 4693531 (VCV004693531.1).

ClinVar aggregate classification (germline): Uncertain significance (1 of 4 stars; one submission).

Conditions:
Adams-Oliver syndrome 5 (AOS5). Identifiers: Orphanet 974, MedGen C4014970, MONDO:0014459, OMIM 616028.

Submission:

Labcorp Genetics (formerly Invitae), Labcorp
Classification: Uncertain significance for Adams-Oliver syndrome 5. Last evaluated: 2026-01-24. Review status: criteria provided, single submitter. Criteria: Invitae Variant Classification Sherloc (09022015). Collection method: clinical testing. Allele origin: germline.
Comment: This sequence change replaces threonine, which is neutral and polar, with proline, which is neutral and non-polar, at codon 2541 of the NOTCH1 protein (p.Thr2541Pro). This variant is not present in population databases (gnomAD no frequency). This variant has not been reported in the literature in individuals affected with NOTCH1-related conditions. Invitae Evidence Modeling of protein sequence and biophysical properties (such as structural, functional, and spatial information, amino acid conservation, physicochemical variation, residue mobility, and thermodynamic stability) indicates that this missense variant is not expected to disrupt NOTCH1 protein function with a negative predictive value of 95%. In summary, the available evidence is currently insufficient to determine the role of this variant in disease. Therefore, it has been classified as a Variant of Uncertain Significance.